The following is an entry in ClinVar:

NM_000138.5(FBN1):c.1468G>C (p.Asp490His)

Gene: FBN1 (fibrillin 1; minus strand). Cytogenetic location: 15q21.1.
Variant type: single nucleotide variant.
Coding change: c.1468G>C on transcript NM_000138.5 (MANE Select); coding-DNA position 1468, G replaced by C.
Protein change: p.Asp490His; replaces aspartic acid 490 with histidine.
Molecular consequence: missense variant.
Genome position (GRCh38, 1-based): chr15:48,515,387, C>G on the plus strand (G>C on the coding strand, the complement: FBN1 is on the minus strand). VCF-style: chr15-48515387-C-G. GRCh37 (hg19) VCF-style: chr15-48807584-C-G.
Other names: p.Asp490His; c.1468G>C, p.Asp490His (NM_001406716.1); short protein forms D490H.
Identifiers: ClinVar variation 1773301 (VCV001773301.4), dbSNP rs1555400371, ClinGen allele CA392343530.
Genomic context (GRCh38, chr15:48,515,387, plus strand): 5'-TAGAGTCAAGGAACAGAATTACAACAGACCCTTGGTGCCAACCTAGGATGGATCACGTAC[C>G]AATACACTCCCCACGGAGGTCCAGCTGGAACCCTTTGTTGCACTCACACCGGTAACTCCC-3'
Protein context (NP_000129.3, residues 480-500): FQLDLRGECI[Asp490His]VDECEKNPCA

ClinVar aggregate classification (germline): Conflicting classifications of pathogenicity. Review status: criteria provided, conflicting classifications (1 of 4 stars). 2 submissions from 2 submitters: Likely pathogenic (1); Uncertain significance (1). Last evaluated 2026-07-24.

Conditions:
Familial thoracic aortic aneurysm and aortic dissection (TAAD). Also called: Thoracic aortic aneurysms and dissections. Identifiers: Orphanet 91387, MedGen C4707243, MONDO:0019625.

Submissions (2):

Ambry Genetics
Classification: Uncertain significance for Familial thoracic aortic aneurysm and aortic dissection. Last evaluated: 2026-07-24. Review status: criteria provided, single submitter. Criteria: Ambry Variant Classification Scheme 2023. Collection method: clinical testing. Allele origin: germline.
Comment: The p.D490H variant (also known as c.1468G>C), located in coding exon 11 of the FBN1 gene, results from a G to C substitution at nucleotide position 1468. The amino acid change results in aspartic acid to histidine at codon 490, an amino acid with similar properties. However, this change occurs in the last base pair of coding exon 11, which makes it likely to have some effect on normal mRNA splicing. This variant was reported in individual(s) with features consistent with Marfan syndrome (Baudhuin LM et al. J Hum Genet, 2015 May;60:241-52). This nucleotide position is highly conserved in available vertebrate species. This amino acid position is highly conserved in available vertebrate species. In silico splice site analysis predicts that this alteration may weaken the native splice donor site and will result in the creation or strengthening of a novel splice donor site. In addition, as a missense substitution this is predicted to be deleterious by in silico analysis. Based on the available evidence, the clinical significance of this variant remains unclear.

Mayo Clinic Laboratories, Mayo Clinic
Classification: Likely pathogenic. Last evaluated: 2022-04-06. Review status: criteria provided, single submitter. Criteria: ACMG Guidelines, 2015. Collection method: clinical testing. Allele origin: germline. Observed: 1 variant allele.
Comment: PP3, PM1, PM2, PS4_supporting

Literature cited by the submitters: PubMed 25652356 (cited by Ambry Genetics and Mayo Clinic Laboratories, Mayo Clinic).